The following is an entry in ClinVar:

NM_003809.3(TNFSF12):c.311G>C (p.Arg104Pro)

Genes: TNFSF12 (TNF superfamily member 12; plus strand), TNFSF12-TNFSF13 (TNFSF12-TNFSF13 readthrough; plus strand). Cytogenetic location: 17p13.1.
Variant type: single nucleotide variant.
Coding change: c.311G>C on transcript NM_003809.3 (MANE Select); coding-DNA position 311, G replaced by C.
Protein change: p.Arg104Pro; replaces arginine 104 with proline.
Molecular consequence: missense variant. On other transcripts: non-coding transcript variant (1).
Genome position (GRCh38, 1-based): chr17:7,550,826, G>C. VCF-style: chr17-7550826-G-C. GRCh37 (hg19) VCF-style: chr17-7454143-G-C.
Other names: c.311G>C, p.Arg104Pro (NM_172089.4); short protein forms R104P.
Identifiers: ClinVar variation 4694050 (VCV004694050.1).

ClinVar aggregate classification (germline): Uncertain significance (1 of 4 stars; one submission).

Conditions:
Common variable immunodeficiency (CVID). Also called: Common variable hypogamma-globulinemia; Common variable agammaglobulinemia. Identifiers: Orphanet 1572, MedGen C0009447, MONDO:0015517.

gnomAD v4.1: 3 of 1,612,242 alleles (0.00019%); highest among the groups gnomAD compares: African/African-American, 0.004%; no homozygotes.

Submission:

Labcorp Genetics (formerly Invitae), Labcorp
Classification: Uncertain significance for Common variable immunodeficiency. Last evaluated: 2025-03-17. Review status: criteria provided, single submitter. Criteria: Invitae Variant Classification Sherloc (09022015). Collection method: clinical testing. Allele origin: germline.
Comment: This sequence change replaces arginine, which is basic and polar, with proline, which is neutral and non-polar, at codon 104 of the TNFSF12 protein (p.Arg104Pro). This variant is present in population databases (no rsID available, gnomAD 0.007%). This variant has not been reported in the literature in individuals affected with TNFSF12-related conditions. An algorithm developed to predict the effect of missense changes on protein structure and function (PolyPhen-2) suggests that this variant is likely to be disruptive. In summary, the available evidence is currently insufficient to determine the role of this variant in disease. Therefore, it has been classified as a Variant of Uncertain Significance.